The following is an entry in ClinVar:

ClinVar aggregate classification (germline): Uncertain significance (1 of 4 stars; one submission).

Conditions:
Polyhydramnios, megalencephaly, and symptomatic epilepsy (PMSE). Also called: PMSE SYNDROME. Identifiers: Orphanet 500533, MedGen C1970203, MONDO:0012611, OMIM 611087.

Allele frequency attached by ClinVar (database versions not stated): TOPMed 0.00002.
gnomAD v4.1: 10 of 1,613,894 alleles (0.00062%); highest among the groups gnomAD compares: Non-Finnish European, 0.00076%; no homozygotes.

Submission:

Labcorp Genetics (formerly Invitae), Labcorp
Classification: Uncertain significance for Polyhydramnios, megalencephaly, and symptomatic epilepsy. Last evaluated: 2022-11-01. Review status: criteria provided, single submitter. Criteria: Invitae Variant Classification Sherloc (09022015). Collection method: clinical testing. Allele origin: germline.
Comment: ClinVar contains an entry for this variant (Variation ID: 933465). Algorithms developed to predict the effect of missense changes on protein structure and function (SIFT, PolyPhen-2, Align-GVGD) all suggest that this variant is likely to be tolerated. In summary, the available evidence is currently insufficient to determine the role of this variant in disease. Therefore, it has been classified as a Variant of Uncertain Significance. This variant has not been reported in the literature in individuals affected with STRADA-related conditions. This sequence change replaces glutamic acid, which is acidic and polar, with aspartic acid, which is acidic and polar, at codon 65 of the STRADA protein (p.Glu65Asp). This variant is present in population databases (no rsID available, gnomAD 0.0009%).

NM_001003787.4(STRADA):c.195G>C (p.Glu65Asp)

Gene: STRADA (STE20 related adaptor alpha; minus strand). Cytogenetic location: 17q23.3.
Variant type: single nucleotide variant.
Coding change: c.195G>C on transcript NM_001003787.4 (MANE Select); coding-DNA position 195, G replaced by C.
Protein change: p.Glu65Asp; replaces glutamic acid 65 with aspartic acid.
Molecular consequence: missense variant. On other transcripts: non-coding transcript variant (1), intron variant (1).
Genome position (GRCh38, 1-based): chr17:63,714,037, C>G on the plus strand (G>C on the coding strand, the complement: STRADA is on the minus strand). VCF-style: chr17-63714037-C-G. GRCh37 (hg19) VCF-style: chr17-61791397-C-G.
Other names: c.84G>C, p.Glu28Asp (NM_001003786.3, NM_001363789.1, NM_153335.6); c.21G>C, p.Glu7Asp (NM_001003788.3, NM_001363790.1, NM_001363791.1); c.108G>C, p.Glu36Asp (NM_001165969.2, NM_001363787.1); c.171G>C, p.Glu57Asp (NM_001363786.1); c.195G>C, p.Glu65Asp (NM_001363788.1); c.95-510G>C (NM_001165970.2); short protein forms E36D, E7D, E28D, E57D, E65D.
Identifiers: ClinVar variation 933465 (VCV000933465.6), dbSNP rs149172145, ClinGen allele CA292948691.